The following is an entry in ClinVar:

NM_001286577.2(C2CD3):c.1543C>G (p.Leu515Val)

Gene: C2CD3 (C2 domain containing 3 centriole elongation regulator; minus strand). Cytogenetic location: 11q13.4.
Variant type: single nucleotide variant.
Coding change: c.1543C>G on transcript NM_001286577.2 (MANE Select); coding-DNA position 1543, C replaced by G.
Protein change: p.Leu515Val; replaces leucine 515 with valine.
Molecular consequence: missense variant.
Genome position (GRCh38, 1-based): chr11:74,114,571, G>C on the plus strand (C>G on the coding strand, the complement: C2CD3 is on the minus strand). VCF-style: chr11-74114571-G-C. GRCh37 (hg19) VCF-style: chr11-73825616-G-C.
Other names: c.1543C>G, p.Leu515Val (NM_015531.6); c.1543C>G (NM_015531.4); short protein forms L515V.
Identifiers: ClinVar variation 1507153 (VCV001507153.7), dbSNP rs370684410, ClinGen allele CA6182922.
Genomic context (GRCh38, chr11:74,114,571, plus strand): 5'-AAAGGGCCAGTCTATCCACACTTAGTGTCATCGTTTGGGCATCTTCTGGAGTTTCTGAGA[G>C]CATCTGTTGTTCAACCAAATTTCTGAAAGGAGTTCACACAAGCAGTGAGGCATACTGCTA-3'
Protein context (NP_001273506.1, residues 505-525): RNRNLVEQQM[Leu515Val]SETPEDAQTM

ClinVar aggregate classification (germline): Uncertain significance. Review status: criteria provided, multiple submitters, no conflicts (2 of 4 stars). 2 submissions from 2 submitters: Uncertain significance (2). Last evaluated 2025-08-02.

Conditions:
Inborn genetic diseases. Identifiers: MedGen C0950123, MeSH D030342.

Allele frequency attached by ClinVar (database versions not stated): gnomAD exomes 0.00001 and 0.00002; TOPMed 0.00001; ExAC 0.00002; gnomAD 0.00002 and 0.00003; ESP Exome Variant Server 0.00008.
gnomAD v4.1: 15 of 1,613,682 alleles (0.00093%); highest among the groups gnomAD compares: African/African-American, 0.0053%; no homozygotes.

Submissions (2):

Ambry Genetics
Classification: Uncertain significance for Inborn genetic diseases. Last evaluated: 2025-08-02. Review status: criteria provided, single submitter. Criteria: Ambry Variant Classification Scheme 2023. Collection method: clinical testing. Allele origin: germline.

Labcorp Genetics (formerly Invitae), Labcorp
Classification: Uncertain significance. Last evaluated: 2025-06-09. Review status: criteria provided, single submitter. Criteria: Invitae Variant Classification Sherloc (09022015). Collection method: clinical testing. Allele origin: germline.
Comment: This sequence change replaces leucine, which is neutral and non-polar, with valine, which is neutral and non-polar, at codon 515 of the C2CD3 protein (p.Leu515Val). This variant is present in population databases (rs370684410, gnomAD 0.01%). This variant has not been reported in the literature in individuals affected with C2CD3-related conditions. ClinVar contains an entry for this variant (Variation ID: 1507153). Invitae Evidence Modeling of protein sequence and biophysical properties (such as structural, functional, and spatial information, amino acid conservation, physicochemical variation, residue mobility, and thermodynamic stability) indicates that this missense variant is not expected to disrupt C2CD3 protein function with a negative predictive value of 80%. In summary, the available evidence is currently insufficient to determine the role of this variant in disease. Therefore, it has been classified as a Variant of Uncertain Significance.